The following is an entry in ClinVar:

ClinVar aggregate classification (germline): Uncertain significance. Review status: criteria provided, multiple submitters, no conflicts (2 of 4 stars). 2 submissions from 2 submitters: Uncertain significance (2). Last evaluated 2023-09-19.

Conditions:
Ornithine carbamoyltransferase deficiency (OTCD). Also called: Ornithine Carbamoyltransferase Deficiency Disease; ORNITHINE TRANSCARBAMYLASE DEFICIENCY; ORNITHINE TRANSCARBAMYLASE DEFICIENCY, HYPERAMMONEMIA DUE TO; OTC DEFICIENCY. Identifiers: Orphanet 664, MedGen C0268542, MONDO:0010703, OMIM 311250.

Submissions (2):

Revvity Omics, Revvity
Classification: Uncertain significance for Ornithine carbamoyltransferase deficiency. Last evaluated: 2023-09-19. Review status: criteria provided, single submitter. Criteria: ACMG Guidelines, 2015. Collection method: clinical testing. Allele origin: germline.

Labcorp Genetics (formerly Invitae), Labcorp
Classification: Uncertain significance for Ornithine carbamoyltransferase deficiency. Last evaluated: 2022-02-14. Review status: criteria provided, single submitter. Criteria: Invitae Variant Classification Sherloc (09022015). Collection method: clinical testing. Allele origin: germline.
Comment: In summary, the available evidence is currently insufficient to determine the role of this variant in disease. Therefore, it has been classified as a Variant of Uncertain Significance. Algorithms developed to predict the effect of sequence changes on RNA splicing suggest that this variant may create or strengthen a splice site. Advanced modeling of protein sequence and biophysical properties (such as structural, functional, and spatial information, amino acid conservation, physicochemical variation, residue mobility, and thermodynamic stability) performed at Invitae indicates that this missense variant is expected to disrupt OTC protein function. This variant has not been reported in the literature in individuals affected with OTC-related conditions. This variant is not present in population databases (gnomAD no frequency). This sequence change replaces leucine, which is neutral and non-polar, with glutamine, which is neutral and polar, at codon 104 of the OTC protein (p.Leu104Gln).

NM_000531.6(OTC):c.311T>A (p.Leu104Gln)

Gene: OTC (ornithine transcarbamylase; plus strand). Cytogenetic location: Xp11.4.
Variant type: single nucleotide variant.
Coding change: c.311T>A on transcript NM_000531.6 (MANE Select); coding-DNA position 311, T replaced by A.
Protein change: p.Leu104Gln; replaces leucine 104 with glutamine.
Molecular consequence: missense variant.
Genome position (GRCh38, 1-based): chrX:38,381,354, T>A. VCF-style: chrX-38381354-T-A. GRCh37 (hg19) VCF-style: chrX-38240607-T-A.
Other names: c.311T>A, p.Leu104Gln (NM_001407092.1); short protein forms L104Q.
Identifiers: ClinVar variation 2097577 (VCV002097577.5), dbSNP rs2519959125, ClinGen allele CA412718250.